The following is an entry in ClinVar:

NM_002168.4(IDH2):c.109C>T (p.Arg37Cys)

Genes: IDH2 (isocitrate dehydrogenase (NADP(+)) 2; minus strand), IDH2-DT (IDH2 divergent transcript; plus strand). Cytogenetic location: 15q26.1.
Variant type: single nucleotide variant.
Coding change: c.109C>T on transcript NM_002168.4 (MANE Select); coding-DNA position 109, C replaced by T.
Protein change: p.Arg37Cys; replaces arginine 37 with cysteine.
Molecular consequence: missense variant. On other transcripts: non-coding transcript variant (1), 5 prime UTR variant (1).
Genome position (GRCh38, 1-based): chr15:90,102,282, G>A on the plus strand (C>T on the coding strand, the complement: IDH2 is on the minus strand). VCF-style: chr15-90102282-G-A. GRCh37 (hg19) VCF-style: chr15-90645514-G-A.
Other names: c.-24C>T (NM_001290114.2); short protein forms R37C.
Identifiers: ClinVar variation 1523577 (VCV001523577.6), dbSNP rs1567261734, ClinGen allele CA393803447.

ClinVar aggregate classification (germline): Uncertain significance (1 of 4 stars; one submission).

Conditions:
D-2-hydroxyglutaric aciduria 2 (D2HGA2). Identifiers: Orphanet 79315, MedGen C3150909, MONDO:0013345, OMIM 613657.

Allele frequency attached by ClinVar (database versions not stated): gnomAD exomes below 0.00001.

Submission:

Labcorp Genetics (formerly Invitae), Labcorp
Classification: Uncertain significance for D-2-hydroxyglutaric aciduria 2. Last evaluated: 2022-09-01. Review status: criteria provided, single submitter. Criteria: Invitae Variant Classification Sherloc (09022015). Collection method: clinical testing. Allele origin: germline.
Comment: This sequence change replaces arginine, which is basic and polar, with cysteine, which is neutral and slightly polar, at codon 37 of the IDH2 protein (p.Arg37Cys). This variant is not present in population databases (gnomAD no frequency). This variant has not been reported in the literature in individuals affected with IDH2-related conditions. ClinVar contains an entry for this variant (Variation ID: 1523577). Algorithms developed to predict the effect of missense changes on protein structure and function are either unavailable or do not agree on the potential impact of this missense change (SIFT: "Deleterious"; PolyPhen-2: "Possibly Damaging"; Align-GVGD: "Class C0"). In summary, the available evidence is currently insufficient to determine the role of this variant in disease. Therefore, it has been classified as a Variant of Uncertain Significance.